The following is an entry in ClinVar:

NM_001099289.3(SH3RF3):c.1976A>G (p.Gln659Arg)

Genes: RANBP2 (RAN binding protein 2; plus strand), SH3RF3 (SH3 domain containing ring finger 3; plus strand). Cytogenetic location: 2q13.
Variant type: single nucleotide variant.
Coding change: c.1976A>G on transcript NM_001099289.3 (MANE Select); coding-DNA position 1976, A replaced by G.
Protein change: p.Gln659Arg; replaces glutamine 659 with arginine.
Molecular consequence: missense variant.
Genome position (GRCh38, 1-based): chr2:109,449,317, A>G. VCF-style: chr2-109449317-A-G. GRCh37 (hg19) VCF-style: chr2-110065773-A-G.
Other names: short protein forms Q659R.
Identifiers: ClinVar variation 3953839 (VCV003953839.1).
Genomic context (GRCh38, chr2:109,449,317, plus strand): 5'-CCACCAGCCTCAGGCCCCACTCGGTGGTGTCCCCGCAGCACAGCCACCAGCCCCCGGTGC[A>G]GATGTGCCCACGGCCGGCCATCCCCCTCACATCAGCAGCATCAGCCATCACACCTCCCAA-3'
Protein context (NP_001092759.1, residues 649-669): SPQHSHQPPV[Gln659Arg]MCPRPAIPLT

ClinVar aggregate classification (germline): Uncertain significance (1 of 4 stars; one submission).

gnomAD v4.1: 3 of 1,606,618 alleles (0.00019%); highest among the groups gnomAD compares: African/African-American, 0.004%; no homozygotes.

Submission:

Ambry Genetics
Classification: Uncertain significance. Last evaluated: 2025-05-07. Review status: criteria provided, single submitter. Criteria: Ambry Variant Classification Scheme 2023. Collection method: clinical testing. Allele origin: germline.
Comment: The c.1976A>G (p.Q659R) alteration is located in exon (coding exon ) of the SH3RF3 gene. This alteration results from a A to G substitution at nucleotide position 1976, causing the glutamine (Q) at amino acid position 659 to be replaced by an arginine (R). Based on insufficient or conflicting evidence, the clinical significance of this alteration remains unclear.